The following is an entry in ClinVar:

ClinVar aggregate classification (germline): Uncertain significance (1 of 4 stars; one submission).

Conditions:
Weaver syndrome (WVS). Also called: Weaver Smith syndrome; Overgrowth syndrome with accelerated skeletal maturation, unusual facies, and camptodactyly. Identifiers: Orphanet 3447, MedGen C0265210, MONDO:0010193, OMIM 277590.

Submission:

Labcorp Genetics (formerly Invitae), Labcorp
Classification: Uncertain significance for Weaver syndrome. Last evaluated: 2022-10-31. Review status: criteria provided, single submitter. Criteria: Invitae Variant Classification Sherloc (09022015). Collection method: clinical testing. Allele origin: germline.
Comment: This variant is not present in population databases (gnomAD no frequency). This sequence change replaces alanine, which is neutral and non-polar, with proline, which is neutral and non-polar, at codon 342 of the EZH2 protein (p.Ala342Pro). This variant has not been reported in the literature in individuals affected with EZH2-related conditions. In summary, the available evidence is currently insufficient to determine the role of this variant in disease. Therefore, it has been classified as a Variant of Uncertain Significance. Advanced modeling of protein sequence and biophysical properties (such as structural, functional, and spatial information, amino acid conservation, physicochemical variation, residue mobility, and thermodynamic stability) performed at Invitae indicates that this missense variant is not expected to disrupt EZH2 protein function.

NM_004456.5(EZH2):c.1024G>C (p.Ala342Pro)

Gene: EZH2 (enhancer of zeste 2 polycomb repressive complex 2 subunit; minus strand). Cytogenetic location: 7q36.1.
Variant type: single nucleotide variant.
Coding change: c.1024G>C on transcript NM_004456.5 (MANE Select); coding-DNA position 1024, G replaced by C.
Protein change: p.Ala342Pro; replaces alanine 342 with proline.
Molecular consequence: missense variant.
Genome position (GRCh38, 1-based): chr7:148,818,093, C>G on the plus strand (G>C on the coding strand, the complement: EZH2 is on the minus strand). VCF-style: chr7-148818093-C-G. GRCh37 (hg19) VCF-style: chr7-148515185-C-G.
Other names: c.1009G>C, p.Ala337Pro (NM_001203247.2); c.982G>C, p.Ala328Pro (NM_001203248.2, NM_001203249.2); c.892G>C, p.Ala298Pro (NM_152998.3); short protein forms A328P, A298P, A337P, A342P.
Identifiers: ClinVar variation 2800781 (VCV002800781.3), dbSNP rs2129471845, ClinGen allele CA369717152.